The following is an entry in ClinVar:

ClinVar aggregate classification (germline): Uncertain significance (1 of 4 stars; one submission).

Conditions:
Inborn genetic diseases. Identifiers: MedGen C0950123, MeSH D030342.

gnomAD v4.1: 2 of 1,613,992 alleles (0.00012%); highest among the groups gnomAD compares: South Asian, 0.0022%; no homozygotes.

Submission:

Ambry Genetics
Classification: Uncertain significance for Inborn genetic diseases. Last evaluated: 2025-06-01. Review status: criteria provided, single submitter. Criteria: Ambry Variant Classification Scheme 2023. Collection method: clinical testing. Allele origin: germline.
Comment: The p.M987I variant (also known as c.2961G>T), located in coding exon 24 of the ANKRD26 gene, results from a G to T substitution at nucleotide position 2961. The methionine at codon 987 is replaced by isoleucine, an amino acid with highly similar properties. This amino acid position is conserved. In addition, this alteration is predicted to be tolerated by in silico analysis. Based on the available evidence, the clinical significance of this variant remains unclear.

NM_014915.3(ANKRD26):c.2961G>T (p.Met987Ile)

Gene: ANKRD26 (ankyrin repeat domain containing 26; minus strand). Cytogenetic location: 10p12.1.
Variant type: single nucleotide variant.
Coding change: c.2961G>T on transcript NM_014915.3 (MANE Select); coding-DNA position 2961, G replaced by T.
Protein change: p.Met987Ile; replaces methionine 987 with isoleucine.
Molecular consequence: missense variant.
Genome position (GRCh38, 1-based): chr10:27,035,489, C>A on the plus strand (G>T on the coding strand, the complement: ANKRD26 is on the minus strand). VCF-style: chr10-27035489-C-A. GRCh37 (hg19) VCF-style: chr10-27324418-C-A.
Other names: c.2958G>T, p.Met986Ile (NM_001256053.2); short protein forms M986I, M987I.
Identifiers: ClinVar variation 3914941 (VCV003914941.1).